The following is an entry in ClinVar:

NM_000562.3(C8A):c.434C>A (p.Pro145Gln)

Gene: C8A (complement C8 alpha chain; plus strand). Cytogenetic location: 1p32.2.
Variant type: single nucleotide variant.
Coding change: c.434C>A on transcript NM_000562.3 (MANE Select); coding-DNA position 434, C replaced by A.
Protein change: p.Pro145Gln; replaces proline 145 with glutamine.
Molecular consequence: missense variant.
Genome position (GRCh38, 1-based): chr1:56,876,179, C>A. VCF-style: chr1-56876179-C-A. GRCh37 (hg19) VCF-style: chr1-57341852-C-A.
Other names: short protein forms P145Q.
Identifiers: ClinVar variation 3718636 (VCV003718636.3).
Genomic context (GRCh38, chr1:56,876,179, plus strand): 5'-CTGATGAGGACGACTGTGAAGATGTCAGGGCCATTGACGAAGACTGCAGCCAGTATGAAC[C>A]AATTCCAGGATCACAGAAGGCAGCCTTGGGGTGAGGCCCTGCCTACTAGCTATTTAGGAG-3'
Protein context (NP_000553.1, residues 135-155): AIDEDCSQYE[Pro145Gln]IPGSQKAALG

ClinVar aggregate classification (germline): Uncertain significance. Review status: criteria provided, multiple submitters, no conflicts (2 of 4 stars). 2 submissions from 2 submitters: Uncertain significance (2). Last evaluated 2026-04-07.

gnomAD v4.1: 8 of 1,613,770 alleles (0.0005%); highest among the groups gnomAD compares: Middle Eastern, 0.033%; no homozygotes.

Submissions (2):

Women's Health and Genetics/Laboratory Corporation of America, LabCorp
Classification: Uncertain significance. Last evaluated: 2026-04-07. Review status: criteria provided, single submitter. Criteria: LabCorp Variant Classification Summary - May 2015. Collection method: clinical testing. Allele origin: germline.

Labcorp Genetics (formerly Invitae), Labcorp
Classification: Uncertain significance. Last evaluated: 2024-03-24. Review status: criteria provided, single submitter. Criteria: Invitae Variant Classification Sherloc (09022015). Collection method: clinical testing. Allele origin: germline.
Comment: This sequence change replaces proline, which is neutral and non-polar, with glutamine, which is neutral and polar, at codon 145 of the C8A protein (p.Pro145Gln). This variant is present in population databases (rs753266768, gnomAD no frequency). This variant has not been reported in the literature in individuals affected with C8A-related conditions. An algorithm developed to predict the effect of missense changes on protein structure and function (PolyPhen-2) suggests that this variant is likely to be disruptive. In summary, the available evidence is currently insufficient to determine the role of this variant in disease. Therefore, it has been classified as a Variant of Uncertain Significance.